The following is an entry in ClinVar:

NM_020919.4(ALS2):c.3307C>T (p.His1103Tyr)

Gene: ALS2 (alsin Rho guanine nucleotide exchange factor ALS2; minus strand). Cytogenetic location: 2q33.1.
Variant type: single nucleotide variant.
Coding change: c.3307C>T on transcript NM_020919.4 (MANE Select); coding-DNA position 3307, C replaced by T.
Protein change: p.His1103Tyr; replaces histidine 1103 with tyrosine.
Molecular consequence: missense variant.
Genome position (GRCh38, 1-based): chr2:201,725,396, G>A on the plus strand (C>T on the coding strand, the complement: ALS2 is on the minus strand). VCF-style: chr2-201725396-G-A. GRCh37 (hg19) VCF-style: chr2-202590119-G-A.
Other names: c.3307C>T, p.His1103Tyr (NM_001410975.1); short protein forms H1103Y.
Identifiers: ClinVar variation 4686923 (VCV004686923.2).

ClinVar aggregate classification (germline): Uncertain significance. Review status: criteria provided, multiple submitters, no conflicts (2 of 4 stars). 2 submissions from 2 submitters: Uncertain significance (2). Last evaluated 2025-10-27.

Conditions:
Infantile-onset ascending hereditary spastic paralysis (IAHSP). Also called: Autosomal Recessive Juvenile Amyotrophic Lateral Sclerosis; Infantile-Onset Ascending Hereditary Spastic Paralysis (IAHSP). Identifiers: Orphanet 293168, MedGen C2931441, MONDO:0011797, OMIM 607225. Disease mechanism: loss of function.

gnomAD v4.1: 1 of 1,613,896 alleles (0.000062%); highest among the groups gnomAD compares: Non-Finnish European, 0.000085%; no homozygotes.

Submissions (2):

Labcorp Genetics (formerly Invitae), Labcorp
Classification: Uncertain significance for Infantile-onset ascending hereditary spastic paralysis. Last evaluated: 2025-10-27. Review status: criteria provided, single submitter. Criteria: Invitae Variant Classification Sherloc (09022015). Collection method: clinical testing. Allele origin: germline.
Comment: This sequence change replaces histidine, which is basic and polar, with tyrosine, which is neutral and polar, at codon 1103 of the ALS2 protein (p.His1103Tyr). This variant is not present in population databases (gnomAD no frequency). This variant has not been reported in the literature in individuals affected with ALS2-related conditions. Invitae Evidence Modeling of protein sequence and biophysical properties (such as structural, functional, and spatial information, amino acid conservation, physicochemical variation, residue mobility, and thermodynamic stability) indicates that this missense variant is not expected to disrupt ALS2 protein function with a negative predictive value of 80%. In summary, the available evidence is currently insufficient to determine the role of this variant in disease. Therefore, it has been classified as a Variant of Uncertain Significance.

GeneDx
Classification: Uncertain significance. Last evaluated: 2025-07-24. Review status: criteria provided, single submitter. Criteria: GeneDx Variant Classification Process June 2021. Collection method: clinical testing. Allele origin: germline. Affected: yes.
Comment: Not observed at significant frequency in large population cohorts (gnomAD); In silico analysis supports that this missense variant has a deleterious effect on protein structure/function; Has not been previously published as pathogenic or benign to our knowledge